The following is an entry in ClinVar:

ClinVar aggregate classification (germline): Pathogenic. Review status: criteria provided, multiple submitters, no conflicts (2 of 4 stars). 2 submissions from 2 submitters: Pathogenic (2). Last evaluated 2022-10-14.

Conditions:
Hereditary cancer-predisposing syndrome. Also called: Hereditary neoplastic syndrome; Tumor predisposition; Neoplastic Syndromes, Hereditary; Hereditary Cancer Syndrome. Identifiers: Orphanet 140162, MedGen C0027672, MeSH D009386, MONDO:0015356.
Von Hippel-Lindau syndrome (VHLS). Also called: von Hippel–Lindau syndrome; Von Hippel-Lindau; VHL syndrome. Identifiers: Orphanet 892, MedGen C0019562, MONDO:0008667, OMIM 193300. Disease mechanism: loss of function.

Submissions (2):

Ambry Genetics
Classification: Pathogenic for Hereditary cancer-predisposing syndrome. Last evaluated: 2022-10-14. Review status: criteria provided, single submitter. Criteria: Ambry Variant Classification Scheme 2023. Collection method: clinical testing. Allele origin: germline.
Comment: The c.278delG pathogenic mutation, located in coding exon 1 of the VHL gene, results from a deletion of one nucleotide at nucleotide position 278, causing a translational frameshift with a predicted alternate stop codon (p.G93Afs*66). This mutation has been described as "deletion of G at nt 490" (490delG) in an individual with familial VHL (Whaley JM et al. Am J Hum Genet. 1994 Dec;55(6):1092-102). This alteration is expected to result in loss of function by premature protein truncation. As such, this alteration is interpreted as a disease-causing mutation.

Genomic Diagnostic Laboratory, Division of Genomic Diagnostics, Children's Hospital of Philadelphia
Classification: Pathogenic for von Hippel-Lindau syndrome. Last evaluated: 2018-08-01. Review status: criteria provided, single submitter. Criteria: DGD Variant Analysis Guidelines. Collection method: clinical testing. Allele origin: germline. Affected: yes. Observed: 2 variant alleles.

Literature cited by the submitters: PubMed 7977367 (cited by Ambry Genetics).

NM_000551.4(VHL):c.278del (p.Gly93fs)

Gene: VHL (von Hippel-Lindau tumor suppressor; plus strand). Cytogenetic location: 3p25.3.
Variant type: Deletion.
Coding change: c.278del on transcript NM_000551.4 (MANE Select); coding-DNA position 278, one base deleted (G; older notation c.278delG).
Protein change: p.Gly93fs; shifts the reading frame from glycine 93.
Molecular consequence: frameshift variant.
Genome position (GRCh38, 1-based): chr3:10,142,125, G deleted; the last of 2 consecutive G bases (chr3:10,142,124-10,142,125); deleting either gives the same sequence. VCF-style (leftmost placement, unchanged base first): chr3-10142123-CG-C. GRCh37 (hg19) VCF-style: chr3-10183807-CG-C.
Other names: c.278delG (NM_000551.3); c.278del, p.Gly93fs (NM_001354723.2, NM_198156.3); short protein forms G93fs.
Identifiers: ClinVar variation 428811 (VCV000428811.6), dbSNP rs1131690964, ClinGen allele CA432420500.